The following is an entry in ClinVar:

NM_004100.5(EYA4):c.96G>A (p.Met32Ile)

Gene: EYA4 (EYA transcriptional coactivator and phosphatase 4; plus strand). Cytogenetic location: 6q23.2.
Variant type: single nucleotide variant.
Coding change: c.96G>A on transcript NM_004100.5 (MANE Select); coding-DNA position 96, G replaced by A.
Protein change: p.Met32Ile; replaces methionine 32 with isoleucine.
Molecular consequence: missense variant.
Genome position (GRCh38, 1-based): chr6:133,446,642, G>A. VCF-style: chr6-133446642-G-A. GRCh37 (hg19) VCF-style: chr6-133767780-G-A.
Other names: c.96G>A, p.Met32Ile (NM_001301012.2, NM_001301013.2, NM_001370458.1 and 3 more transcripts); short protein forms M32I.
Identifiers: ClinVar variation 930000 (VCV000930000.4), dbSNP rs1792872485, ClinGen allele CA365837930.

ClinVar aggregate classification (germline): Uncertain significance (1 of 4 stars; one submission).

Submission:

Laboratory for Molecular Medicine, Mass General Brigham Personalized Medicine
Classification: Uncertain significance. Last evaluated: 2020-04-02. Review status: criteria provided, single submitter. Criteria: LMM Criteria. Collection method: clinical testing. Allele origin: germline. Observed: 2 variant alleles.
Comment: The p.Met32Ile variant in EYA4 has not been previously reported in individuals with hearing loss or in large population studies. Computational prediction tools and conservation analysis do not provide strong support for or against an impact to the protein. In summary, the clinical significance of this variant is uncertain. ACMG/AMP Criteria applied: PM2.